The following is an entry in ClinVar:

NM_152564.5(VPS13B):c.1068T>C (p.Ile356=)

Gene: VPS13B (vacuolar protein sorting 13 homolog B; plus strand). Cytogenetic location: 8q22.2.
Variant type: single nucleotide variant.
Coding change: c.1068T>C on transcript NM_152564.5 (MANE Select); coding-DNA position 1068, T replaced by C.
Protein change: p.Ile356=; no amino-acid change (isoleucine 356 retained).
Molecular consequence: synonymous variant. On other transcripts: non-coding transcript variant (1).
Genome position (GRCh38, 1-based): chr8:99,121,307, T>C. VCF-style: chr8-99121307-T-C. GRCh37 (hg19) VCF-style: chr8-100133535-T-C.
Other names: p.Ile356=; c.1068T>C, p.Ile356= (NM_017890.5, NM_181661.3, NM_015243.3).
Identifiers: ClinVar variation 4683353 (VCV004683353.2).

ClinVar aggregate classification (germline): Likely benign. Review status: criteria provided, multiple submitters, no conflicts (2 of 4 stars). 2 submissions from 2 submitters: Likely benign (2). Last evaluated 2025-11-30.

Conditions:
Cohen syndrome (COH1). Also called: PEPPER SYNDROME; Cutis verticis gyrata, retinitis pigmentosa, and sensorineural deafness. Identifiers: Orphanet 193, MedGen C0265223, MONDO:0008999, OMIM 216550.

gnomAD v4.1: 2 of 1,613,980 alleles (0.00012%); highest among the groups gnomAD compares: African/African-American, 0.0027%; no homozygotes.

Submissions (2):

Labcorp Genetics (formerly Invitae), Labcorp
Classification: Likely benign for Cohen syndrome. Last evaluated: 2025-11-30. Review status: criteria provided, single submitter. Criteria: Invitae Variant Classification Sherloc (09022015). Collection method: clinical testing. Allele origin: germline.

Mayo Clinic Laboratories, Mayo Clinic
Classification: Likely benign. Last evaluated: 2025-02-06. Review status: criteria provided, single submitter. Criteria: ACMG Guidelines, 2015. Collection method: clinical testing. Allele origin: germline. Observed: 1 variant allele.
Comment: BP4, BP7